The following is an entry in ClinVar:

ClinVar aggregate classification (germline): Uncertain significance. Review status: criteria provided, multiple submitters, no conflicts (2 of 4 stars). 3 submissions from 3 submitters: Uncertain significance (3). Last evaluated 2025-07-17.

Conditions:
Cardiovascular phenotype. Identifiers: MedGen CN230736.
X-linked myopathy with postural muscle atrophy. Also called: FHL1-Related Emery-Dreifuss Muscular Dystrophy, X-Linked. Identifiers: Orphanet 178461, MedGen C2678055, MONDO:0010401, OMIM 300696.

Allele frequency attached by ClinVar (database versions not stated): gnomAD exomes 0.00001; TOPMed 0.00001.

Submissions (3):

Ambry Genetics
Classification: Uncertain significance for Cardiovascular phenotype. Last evaluated: 2025-07-17. Review status: criteria provided, single submitter. Criteria: Ambry Variant Classification Scheme 2023. Collection method: clinical testing. Allele origin: germline.
Comment: The p.V151M variant (also known as c.451G>A), located in coding exon 3 of the FHL1 gene, results from a G to A substitution at nucleotide position 451. The valine at codon 151 is replaced by methionine, an amino acid with highly similar properties. Based on data from gnomAD, the A allele has an overall frequency of 0.0005% (1/183408) total alleles studied, with 1 hemizygote(s) observed. The highest observed frequency was 0.0052% (1/19076) of South Asian alleles. This amino acid position is not well conserved in available vertebrate species. In addition, the in silico prediction for this alteration is inconclusive. Based on the available evidence, the clinical significance of this variant remains unclear.

Labcorp Genetics (formerly Invitae), Labcorp
Classification: Uncertain significance for X-linked myopathy with postural muscle atrophy. Last evaluated: 2024-10-21. Review status: criteria provided, single submitter. Criteria: Invitae Variant Classification Sherloc (09022015). Collection method: clinical testing. Allele origin: germline.
Comment: This sequence change replaces valine, which is neutral and non-polar, with methionine, which is neutral and non-polar, at codon 151 of the FHL1 protein (p.Val151Met). This variant is present in population databases (no rsID available, gnomAD 0.005%). This variant has not been reported in the literature in individuals affected with FHL1-related conditions. ClinVar contains an entry for this variant (Variation ID: 548468). An algorithm developed to predict the effect of missense changes on protein structure and function (PolyPhen-2) suggests that this variant is likely to be disruptive. In summary, the available evidence is currently insufficient to determine the role of this variant in disease. Therefore, it has been classified as a Variant of Uncertain Significance.

Genomic Research Center, Shahid Beheshti University of Medical Sciences
Classification: Uncertain significance for X-linked myopathy with postural muscle atrophy. Last evaluated: 2018-03-05. Review status: criteria provided, single submitter. Criteria: ACMG Guidelines, 2015. Collection method: clinical testing. Allele origin: inherited. Affected: yes. Observed: 1 variant allele.

NM_001159699.2(FHL1):c.499G>A (p.Val167Met)

Gene: FHL1 (four and a half LIM domains 1; plus strand). Cytogenetic location: Xq26.3.
Variant type: single nucleotide variant.
Coding change: c.499G>A on transcript NM_001159699.2 (MANE Select); coding-DNA position 499, G replaced by A.
Protein change: p.Val167Met; replaces valine 167 with methionine.
Molecular consequence: missense variant. On other transcripts: non-coding transcript variant (1).
Genome position (GRCh38, 1-based): chrX:136,207,911, G>A. VCF-style: chrX-136207911-G-A. GRCh37 (hg19) VCF-style: chrX-135290070-G-A.
Other names: c.451G>A, p.Val151Met (NM_001159700.2, NM_001159702.3, NM_001159703.2 and 9 more transcripts); c.538G>A, p.Val180Met (NM_001159701.2); c.499G>A, p.Val167Met (NM_001330659.2); short protein forms V151M, V167M, V180M.
Identifiers: ClinVar variation 548468 (VCV000548468.14), dbSNP rs1332573754, ClinGen allele CA414608559.
Genomic context (GRCh38, chrX:136,207,911, plus strand): 5'-AACTGCAAGCAAGTCATCGGGACTGGAAGCTTCTTCCCTAAAGGGGAGGACTTCTACTGC[G>A]TGACTTGCCATGAGACCAAGTTTGCCAAGCATTGCGTGAAGTGCAACAAGGTATGCTTTC-3'
Protein context (NP_001153171.1, residues 157-177): FFPKGEDFYC[Val167Met]TCHETKFAKH